The following is an entry in ClinVar:

ClinVar aggregate classification (germline): Uncertain significance (1 of 4 stars; one submission).

gnomAD v4.1: 1 of 1,369,796 alleles (0.000073%); highest among the groups gnomAD compares: Non-Finnish European, 0.000094%; no homozygotes.

Submission:

CeGaT Center for Human Genetics Tuebingen
Classification: Uncertain significance. Last evaluated: 2024-05-01. Review status: criteria provided, single submitter. Criteria: CeGaT Center For Human Genetics Tuebingen Variant Classification Criteria Version 2. Collection method: clinical testing. Allele origin: germline. Affected: yes. Observed: 1 variant allele.
Comment: ARID1A: PM2, PS4:Moderate, PM6:Supporting

NM_006015.6(ARID1A):c.312C>A (p.Asn104Lys)

Gene: ARID1A (AT-rich interaction domain 1A; plus strand). Cytogenetic location: 1p36.11.
Variant type: single nucleotide variant.
Coding change: c.312C>A on transcript NM_006015.6 (MANE Select); coding-DNA position 312, C replaced by A.
Protein change: p.Asn104Lys; replaces asparagine 104 with lysine.
Molecular consequence: missense variant.
Genome position (GRCh38, 1-based): chr1:26,696,715, C>A. VCF-style: chr1-26696715-C-A. GRCh37 (hg19) VCF-style: chr1-27023206-C-A.
Other names: c.312C>A, p.Asn104Lys (NM_139135.4); short protein forms N104K.
Identifiers: ClinVar variation 3239502 (VCV003239502.19), dbSNP rs2080259083.